The following is an entry in ClinVar:

ClinVar aggregate classification (germline): Likely pathogenic (1 of 4 stars; one submission).

Conditions:
Genitourinary and/or brain malformation syndrome (GUBS). Also called: PPP1R12A-Related Urogenital and/or Brain Malformation Syndrome. Identifiers: MedGen C5394158, MONDO:0032934, OMIM 618820.

Submission:

Juno Genomics, Hangzhou Juno Genomics, Inc
Classification: Likely pathogenic for Genitourinary and/or brain malformation syndrome. Review status: criteria provided, single submitter. Criteria: ACMG Guidelines, 2015. Collection method: clinical testing. Allele origin: germline.
Comment: Absent from controls (or at extremely low frequency if recessive) in Genome Aggregation Database.;Null variant in a gene where loss of function (LOF) is a known mechanism of disease.

NM_002480.3(PPP1R12A):c.1880del (p.Pro627fs)

Gene: PPP1R12A (protein phosphatase 1 regulatory subunit 12A; minus strand). Cytogenetic location: 12q21.2.
Variant type: Deletion.
Coding change: c.1880del on transcript NM_002480.3 (MANE Select); coding-DNA position 1880, one base deleted (C; older notation c.1880delC).
Protein change: p.Pro627fs; shifts the reading frame from proline 627.
Molecular consequence: frameshift variant.
Genome position (GRCh38, 1-based): chr12:79,805,712, G deleted on the plus strand (C on the coding strand, the reverse complement: PPP1R12A is on the minus strand); the first of 2 consecutive G bases (chr12:79,805,712-79,805,713); deleting either gives the same sequence. VCF-style (leftmost placement, unchanged base first): chr12-79805711-AG-A. GRCh37 (hg19) VCF-style: chr12-80199491-AG-A.
Other names: c.1880del, p.Pro627fs (NM_001143885.2, NM_001244990.2); c.1619del, p.Pro540fs (NM_001143886.2); c.1712del, p.Pro571fs (NM_001244992.1); short protein forms P540fs, P571fs, P627fs.
Identifiers: ClinVar variation 5038005 (VCV005038005.2).